The following is an entry in ClinVar:

ClinVar aggregate classification (germline): Pathogenic (1 of 4 stars; one submission).

Conditions:
Koolen-de Vries syndrome (KDVS). Identifiers: Orphanet 96169, MedGen C1864871, MONDO:0012496, OMIM 610443.

Submission:

Labcorp Genetics (formerly Invitae), Labcorp
Classification: Pathogenic for Koolen-de Vries syndrome. Last evaluated: 2022-03-09. Review status: criteria provided, single submitter. Criteria: Invitae Variant Classification Sherloc (09022015). Collection method: clinical testing. Allele origin: germline.
Comment: For these reasons, this variant has been classified as Pathogenic. This variant has not been reported in the literature in individuals affected with KANSL1-related conditions. This variant is not present in population databases (gnomAD no frequency). This sequence change creates a premature translational stop signal (p.Met711Cysfs*21) in the KANSL1 gene. It is expected to result in an absent or disrupted protein product. Loss-of-function variants in KANSL1 are known to be pathogenic (PMID: 22544363, 22544367).

Literature cited by the submitters: PubMed 22544363; PubMed 22544367.

NM_015443.4(KANSL1):c.2130del (p.Met711fs)

Gene: KANSL1 (KAT8 regulatory NSL complex subunit 1). Cytogenetic location: 17q21.31.
Variant type: Deletion.
Coding change: c.2130del on transcript NM_015443.4 (MANE Select); coding-DNA position 2130, one base deleted.
Protein change: p.Met711fs; shifts the reading frame from methionine 711.
Molecular consequence: frameshift variant.
Genome position: GRCh38 VCF-style: chr17-46039774-TG-T. GRCh37 (hg19) VCF-style: chr17-44117140-TG-T.
Other names: c.2130del, p.Met711fs (NM_001193465.2, NM_001193466.2, NM_001379198.1); c.2128delC, p.Met711Cysfs (NM_001405854.1, NM_001405855.1, NM_001405856.1 and 11 more transcripts); c.2026delC, p.Met677Cysfs (NM_001405859.1, NM_001405860.1, NM_001405861.1 and 1 more transcripts); c.862delC, p.Met289Cysfs (NM_001405882.1, NM_001405883.1, NM_001405884.1 and 1 more transcripts); short protein forms M711fs.
Identifiers: ClinVar variation 2108108 (VCV002108108.4), dbSNP rs2510499866, ClinGen allele CA2580093989.